The following is an entry in ClinVar:

ClinVar aggregate classification (germline): Uncertain significance (1 of 4 stars; one submission).

Allele frequency attached by ClinVar (database versions not stated): TOPMed 0.00001; gnomAD exomes 0.00003.
gnomAD v4.1: 46 of 1,548,888 alleles (0.003%); highest among the groups gnomAD compares: Non-Finnish European, 0.004%; no homozygotes.

Submission:

Labcorp Genetics (formerly Invitae), Labcorp
Classification: Uncertain significance. Last evaluated: 2021-06-14. Review status: criteria provided, single submitter. Criteria: Invitae Variant Classification Sherloc (09022015). Collection method: clinical testing. Allele origin: germline.
Comment: In summary, the available evidence is currently insufficient to determine the role of this variant in disease. Therefore, it has been classified as a Variant of Uncertain Significance. This sequence change replaces isoleucine with threonine at codon 2051 of the UNC80 protein (p.Ile2051Thr). The isoleucine residue is moderately conserved and there is a moderate physicochemical difference between isoleucine and threonine. This variant is not present in population databases (ExAC no frequency). This variant has not been reported in the literature in individuals with UNC80-related conditions. Algorithms developed to predict the effect of missense changes on protein structure and function are either unavailable or do not agree on the potential impact of this missense change (SIFT: "Not Available"; PolyPhen-2: "Probably Damaging"; Align-GVGD: "Not Available").

NM_001371986.1(UNC80):c.6350T>C (p.Ile2117Thr)

Gene: UNC80 (unc-80 homolog, NALCN channel complex subunit; plus strand). Cytogenetic location: 2q34.
Variant type: single nucleotide variant.
Coding change: c.6350T>C on transcript NM_001371986.1 (MANE Select); coding-DNA position 6350, T replaced by C.
Protein change: p.Ile2117Thr; replaces isoleucine 2117 with threonine.
Molecular consequence: missense variant.
Genome position (GRCh38, 1-based): chr2:209,936,920, T>C. VCF-style: chr2-209936920-T-C. GRCh37 (hg19) VCF-style: chr2-210801644-T-C.
Other names: c.6152T>C, p.Ile2051Thr (NM_032504.2); c.6137T>C, p.Ile2046Thr (NM_182587.4); short protein forms I2051T, I2046T, I2117T.
Identifiers: ClinVar variation 1478685 (VCV001478685.5), dbSNP rs750862679, ClinGen allele CA65042149.